The following is an entry in ClinVar:

ClinVar aggregate classification (germline): Likely benign. Review status: criteria provided, multiple submitters, no conflicts (2 of 4 stars). 2 submissions from 2 submitters: Likely benign (2). Last evaluated 2025-10-21.

Conditions:
RYR1-related disorder. Also called: RYR1-related condition; RYR1-related disorders. Identifiers: MedGen CN239331.
Malignant hyperthermia, susceptibility to, 1 (MHS1). Also called: Malignant hyperthermia suceptibility 1; Anesthesia related hyperthermia; Malignant hyperpyrexia; Fulminating hyperpyrexia; Pharmacogenic myopathy; RYR1-Related Malignant Hyperthermia Susceptibility. Identifiers: Orphanet 423, MedGen C2930980, MONDO:0007783, OMIM 145600.

Allele frequency attached by ClinVar (database versions not stated): ExAC 0.00001.
gnomAD v4.1: 2 of 1,611,950 alleles (0.00012%); highest among the groups gnomAD compares: East Asian, 0.0022%; no homozygotes.

Submissions (2):

Labcorp Genetics (formerly Invitae), Labcorp
Classification: Likely benign for RYR1-related disorder. Last evaluated: 2025-10-21. Review status: criteria provided, single submitter. Criteria: Invitae Variant Classification Sherloc (09022015). Collection method: clinical testing. Allele origin: germline.

All of Us Research Program, National Institutes of Health
Classification: Likely benign for Malignant hyperthermia, susceptibility to, 1. Last evaluated: 2024-04-25. Review status: criteria provided, single submitter. Criteria: ACMG Guidelines, 2015. Collection method: clinical testing. Allele origin: germline. Inheritance: Autosomal dominant inheritance. Observed: 5 variant alleles, 5 heterozygotes.
Comment: This study involves interpretation of variants in research participants for the purpose of population health screening. Participant phenotype was not available at the time of variant classification. Additional details can be found in publication PMID: 35346344, PMCID: PMC8962531

NM_000540.3(RYR1):c.6321A>G (p.Gln2107=)

Gene: RYR1 (ryanodine receptor 1; plus strand). Cytogenetic location: 19q13.2.
Variant type: single nucleotide variant.
Coding change: c.6321A>G on transcript NM_000540.3 (MANE Select); coding-DNA position 6321, A replaced by G.
Protein change: p.Gln2107=; no amino-acid change (glutamine 2107 retained).
Molecular consequence: synonymous variant.
Genome position (GRCh38, 1-based): chr19:38,494,398, A>G. VCF-style: chr19-38494398-A-G. GRCh37 (hg19) VCF-style: chr19-38985038-A-G.
Other names: c.6321A>G, p.Gln2107= (NM_001042723.2).
Identifiers: ClinVar variation 2907209 (VCV002907209.5), dbSNP rs774949678, ClinGen allele CA068080.